The following is an entry in ClinVar:

ClinVar aggregate classification (germline): Likely benign. Review status: criteria provided, multiple submitters, no conflicts (2 of 4 stars). 2 submissions from 2 submitters: Likely benign (2). Last evaluated 2025-11-04.

Conditions:
Emery-Dreifuss muscular dystrophy 5, autosomal dominant (EDMD5). Also called: EMERY-DREIFUSS MUSCULAR DYSTROPHY 5. Identifiers: Orphanet 261, MedGen C2751805, MONDO:0013072, OMIM 612999.

Allele frequency attached by ClinVar (database versions not stated): TOPMed 0.00003; ExAC 0.00004; gnomAD 0.00004; gnomAD exomes 0.00006.
gnomAD v4.1: 96 of 1,614,174 alleles (0.0059%); highest among the groups gnomAD compares: East Asian, 0.04%; no homozygotes.

Submissions (2):

Labcorp Genetics (formerly Invitae), Labcorp
Classification: Likely benign for Emery-Dreifuss muscular dystrophy 5, autosomal dominant. Last evaluated: 2025-11-04. Review status: criteria provided, single submitter. Criteria: Invitae Variant Classification Sherloc (09022015). Collection method: clinical testing. Allele origin: germline.

CeGaT Center for Human Genetics Tuebingen
Classification: Likely benign. Last evaluated: 2023-08-01. Review status: criteria provided, single submitter. Criteria: CeGaT Center For Human Genetics Tuebingen Variant Classification Criteria Version 2. Collection method: clinical testing. Allele origin: germline. Affected: yes. Observed: 1 variant allele.
Comment: SYNE2: BP4, BP7

NM_182914.3(SYNE2):c.16194C>T (p.Ala5398=)

Gene: SYNE2 (spectrin repeat containing nuclear envelope protein 2; plus strand). Cytogenetic location: 14q23.2.
Variant type: single nucleotide variant.
Coding change: c.16194C>T on transcript NM_182914.3 (MANE Select); coding-DNA position 16194, C replaced by T.
Protein change: p.Ala5398=; no amino-acid change (alanine 5398 retained).
Molecular consequence: synonymous variant.
Genome position (GRCh38, 1-based): chr14:64,162,171, C>T. VCF-style: chr14-64162171-C-T. GRCh37 (hg19) VCF-style: chr14-64628889-C-T.
Other names: c.16194C>T, p.Ala5398= (NM_015180.6).
Identifiers: ClinVar variation 313616 (VCV000313616.38), dbSNP rs764264884, ClinGen allele CA7223300.